The following is an entry in ClinVar:

ClinVar aggregate classification (germline): Conflicting classifications of pathogenicity. Review status: criteria provided, conflicting classifications (1 of 4 stars). 4 submissions from 4 submitters: Uncertain significance (3); Likely benign (1). Last evaluated 2024-10-03.

Conditions:
Spastic paraplegia. Identifiers: MedGen C0037772, HP:0001258.
Hereditary spastic paraplegia 15 (SPG15). Also called: KJELLIN SYNDROME; SPASTIC PARAPLEGIA 15, AUTOSOMAL RECESSIVE; SPASTIC PARAPLEGIA AND RETINAL DEGENERATION. Identifiers: Orphanet 100996, MedGen C1849128, MONDO:0010044, OMIM 270700.

Allele frequency attached by ClinVar (database versions not stated): ExAC 0.00002; gnomAD exomes 0.00002 and 0.00003; TOPMed 0.00002; gnomAD 0.00003.
gnomAD v4.1: 41 of 1,613,032 alleles (0.0025%); highest among the groups gnomAD compares: Middle Eastern, 0.4%; no homozygotes.

Submissions (4):

Blueprint Genetics
Classification: Likely benign. Last evaluated: 2024-10-03. Review status: criteria provided, single submitter. Criteria: ACMG Guidelines, 2015. Collection method: clinical testing. Allele origin: germline.

Labcorp Genetics (formerly Invitae), Labcorp
Classification: Uncertain significance for Spastic paraplegia. Last evaluated: 2022-07-06. Review status: criteria provided, single submitter. Criteria: Invitae Variant Classification Sherloc (09022015). Collection method: clinical testing. Allele origin: germline.
Comment: This sequence change replaces proline, which is neutral and non-polar, with leucine, which is neutral and non-polar, at codon 1273 of the ZFYVE26 protein (p.Pro1273Leu). This variant is present in population databases (rs755456204, gnomAD 0.02%). This variant has not been reported in the literature in individuals affected with ZFYVE26-related conditions. ClinVar contains an entry for this variant (Variation ID: 313904). Algorithms developed to predict the effect of missense changes on protein structure and function output the following: SIFT: "Tolerated"; PolyPhen-2: "Benign"; Align-GVGD: "Class C0". The leucine amino acid residue is found in multiple mammalian species, which suggests that this missense change does not adversely affect protein function. In summary, the available evidence is currently insufficient to determine the role of this variant in disease. Therefore, it has been classified as a Variant of Uncertain Significance.

Illumina Laboratory Services, Illumina
Classification: Uncertain significance for Hereditary spastic paraplegia 15. Last evaluated: 2018-01-13. Review status: criteria provided, single submitter. Criteria: ICSL Variant Classification Criteria 13 December 2019. Collection method: clinical testing. Allele origin: germline.

Breakthrough Genomics
Classification: Uncertain significance. Review status: criteria provided, single submitter. Criteria: ACMG Guidelines, 2015. Collection method: not provided. Allele origin: germline. Inheritance: Autosomal recessive inheritance. Affected: yes.

NM_015346.4(ZFYVE26):c.3818C>T (p.Pro1273Leu)

Gene: ZFYVE26 (zinc finger FYVE-type containing 26; minus strand). Cytogenetic location: 14q24.1.
Variant type: single nucleotide variant.
Coding change: c.3818C>T on transcript NM_015346.4 (MANE Select); coding-DNA position 3818, C replaced by T.
Protein change: p.Pro1273Leu; replaces proline 1273 with leucine.
Molecular consequence: missense variant.
Genome position (GRCh38, 1-based): chr14:67,783,334, G>A on the plus strand (C>T on the coding strand, the complement: ZFYVE26 is on the minus strand). VCF-style: chr14-67783334-G-A. GRCh37 (hg19) VCF-style: chr14-68250051-G-A.
Other names: short protein forms P1273L.
Identifiers: ClinVar variation 313904 (VCV000313904.8), dbSNP rs755456204, ClinGen allele CA7239901.